The following is an entry in ClinVar:

ClinVar aggregate classification (germline): Uncertain significance. Review status: criteria provided, multiple submitters, no conflicts (2 of 4 stars). 2 submissions from 2 submitters: Uncertain significance (2). Last evaluated 2025-09-28.

Conditions:
Inborn genetic diseases. Identifiers: MedGen C0950123, MeSH D030342.

Allele frequency attached by ClinVar (database versions not stated): gnomAD exomes below 0.00001.

Submissions (2):

Ambry Genetics
Classification: Uncertain significance for Inborn genetic diseases. Last evaluated: 2025-09-28. Review status: criteria provided, single submitter. Criteria: Ambry Variant Classification Scheme 2023. Collection method: clinical testing. Allele origin: germline.

Labcorp Genetics (formerly Invitae), Labcorp
Classification: Uncertain significance. Last evaluated: 2021-09-10. Review status: criteria provided, single submitter. Criteria: Invitae Variant Classification Sherloc (09022015). Collection method: clinical testing. Allele origin: germline.
Comment: In summary, the available evidence is currently insufficient to determine the role of this variant in disease. Therefore, it has been classified as a Variant of Uncertain Significance. Algorithms developed to predict the effect of missense changes on protein structure and function are either unavailable or do not agree on the potential impact of this missense change (SIFT: "Tolerated"; PolyPhen-2: "Possibly Damaging"; Align-GVGD: "Class C15"). This variant has not been reported in the literature in individuals affected with PLAA-related conditions. This variant is not present in population databases (ExAC no frequency). This sequence change replaces tyrosine with cysteine at codon 431 of the PLAA protein (p.Tyr431Cys). The tyrosine residue is moderately conserved and there is a large physicochemical difference between tyrosine and cysteine.

NM_001031689.3(PLAA):c.1292A>G (p.Tyr431Cys)

Gene: PLAA (phospholipase A2 activating protein; minus strand). Cytogenetic location: 9p21.2.
Variant type: single nucleotide variant.
Coding change: c.1292A>G on transcript NM_001031689.3 (MANE Select); coding-DNA position 1292, A replaced by G.
Protein change: p.Tyr431Cys; replaces tyrosine 431 with cysteine.
Molecular consequence: missense variant.
Genome position (GRCh38, 1-based): chr9:26,919,435, T>C on the plus strand (A>G on the coding strand, the complement: PLAA is on the minus strand). VCF-style: chr9-26919435-T-C. GRCh37 (hg19) VCF-style: chr9-26919433-T-C.
Other names: c.1292A>G, p.Tyr431Cys (NM_001321546.2); c.1292A>G (NM_001031689.2); short protein forms Y431C.
Identifiers: ClinVar variation 1415801 (VCV001415801.7), dbSNP rs1220953303, ClinGen allele CA373132138.